The following is an entry in ClinVar:

NM_002709.3(PPP1CB):c.205A>T (p.Thr69Ser)

Gene: PPP1CB (protein phosphatase 1 catalytic subunit beta; plus strand). Cytogenetic location: 2p23.2.
Variant type: single nucleotide variant.
Coding change: c.205A>T on transcript NM_002709.3 (MANE Select); coding-DNA position 205, A replaced by T.
Protein change: p.Thr69Ser; replaces threonine 69 with serine.
Molecular consequence: missense variant.
Genome position (GRCh38, 1-based): chr2:28,778,829, A>T. VCF-style: chr2-28778829-A-T. GRCh37 (hg19) VCF-style: chr2-29001695-A-T.
Other names: c.205A>T, p.Thr69Ser (NM_206876.2); short protein forms T69S.
Identifiers: ClinVar variation 2580045 (VCV002580045.2), dbSNP rs1667091334, ClinGen allele CA346581370.

ClinVar aggregate classification (germline): Uncertain significance (1 of 4 stars; one submission).

Submission:

GeneDx
Classification: Uncertain significance. Last evaluated: 2025-04-09. Review status: criteria provided, single submitter. Criteria: GeneDx Variant Classification Process June 2021. Collection method: clinical testing. Allele origin: germline.
Comment: Not observed at significant frequency in large population cohorts (gnomAD); In silico analysis indicates that this missense variant does not alter protein structure/function; Has not been previously published as pathogenic or benign to our knowledge